The following is an entry in ClinVar:

NM_147127.5(EVC2):c.2885G>A (p.Gly962Asp)

Gene: EVC2 (EvC ciliary complex subunit 2; minus strand). Cytogenetic location: 4p16.2.
Variant type: single nucleotide variant.
Coding change: c.2885G>A on transcript NM_147127.5 (MANE Select); coding-DNA position 2885, G replaced by A.
Protein change: p.Gly962Asp; replaces glycine 962 with aspartic acid.
Molecular consequence: missense variant.
Genome position (GRCh38, 1-based): chr4:5,584,795, C>T on the plus strand (G>A on the coding strand, the complement: EVC2 is on the minus strand). VCF-style: chr4-5584795-C-T. GRCh37 (hg19) VCF-style: chr4-5586522-C-T.
Other names: c.2645G>A, p.Gly882Asp (NM_001166136.2); short protein forms G882D, G962D.
Identifiers: ClinVar variation 1507841 (VCV001507841.5), dbSNP rs748869122, ClinGen allele CA356154894.

ClinVar aggregate classification (germline): Uncertain significance. Review status: criteria provided, multiple submitters, no conflicts (2 of 4 stars). 2 submissions from 2 submitters: Uncertain significance (2). Last evaluated 2022-01-04.

Conditions:
Curry-Hall syndrome (WAD). Also called: WEYERS ACRODENTAL DYSOSTOSIS. Identifiers: Orphanet 952, MedGen C0457013, MONDO:0008673, OMIM 193530.
Ellis-van Creveld syndrome (EVC). Also called: Chondroectodermal dysplasia; EVC-Related Ellis-van Creveld Syndrome; EVC2-Related Ellis-van Creveld Syndrome; MESOECTODERMAL DYSPLASIA. Identifiers: Orphanet 289, MedGen C0013903, MONDO:0009162, OMIM 225500.

Submissions (2):

Fulgent Genetics
Classification: Uncertain significance for Curry-Hall syndrome; Ellis-van Creveld syndrome. Last evaluated: 2022-01-04. Review status: criteria provided, single submitter. Criteria: ACMG Guidelines, 2015. Collection method: clinical testing. Allele origin: unknown.

Labcorp Genetics (formerly Invitae), Labcorp
Classification: Uncertain significance for Curry-Hall syndrome; Ellis-van Creveld syndrome. Last evaluated: 2021-12-15. Review status: criteria provided, single submitter. Criteria: Invitae Variant Classification Sherloc (09022015). Collection method: clinical testing. Allele origin: germline.
Comment: This sequence change replaces glycine, which is neutral and non-polar, with aspartic acid, which is acidic and polar, at codon 962 of the EVC2 protein (p.Gly962Asp). This variant is not present in population databases (gnomAD no frequency). This variant has not been reported in the literature in individuals affected with EVC2-related conditions. Algorithms developed to predict the effect of missense changes on protein structure and function (SIFT, PolyPhen-2, Align-GVGD) all suggest that this variant is likely to be tolerated. In summary, the available evidence is currently insufficient to determine the role of this variant in disease. Therefore, it has been classified as a Variant of Uncertain Significance.